The following is an entry in ClinVar:

ClinVar aggregate classification (germline): Uncertain significance. Review status: criteria provided, multiple submitters, no conflicts (2 of 4 stars). 3 submissions from 3 submitters: Uncertain significance (3). Last evaluated 2025-02-08.

Conditions:
Intellectual developmental disorder with dysmorphic facies and ptosis (IDDDFP). Identifiers: Orphanet 698090, MedGen C4310617, MONDO:0015022, OMIM 617333.
Inborn genetic diseases. Identifiers: MedGen C0950123, MeSH D030342.

Allele frequency attached by ClinVar (database versions not stated): gnomAD 0.00001; gnomAD exomes 0.00001; ExAC 0.00001.
gnomAD v4.1: 12 of 1,614,028 alleles (0.00074%); highest among the groups gnomAD compares: East Asian, 0.0022%; no homozygotes.

Submissions (3):

Ambry Genetics
Classification: Uncertain significance for Inborn genetic diseases. Last evaluated: 2025-02-08. Review status: criteria provided, single submitter. Criteria: Ambry Variant Classification Scheme 2023. Collection method: clinical testing. Allele origin: germline.

Women's Health and Genetics/Laboratory Corporation of America, LabCorp
Classification: Uncertain significance. Last evaluated: 2024-05-07. Review status: criteria provided, single submitter. Criteria: LabCorp Variant Classification Summary - May 2015. Collection method: clinical testing. Allele origin: germline.
Comment: Variant summary: BRPF1 c.2111A>G (p.Asn704Ser) results in a conservative amino acid change located in the Bromodomain (IPR001487) of the encoded protein sequence. Three of five in-silico tools predict a benign effect of the variant on protein function. The variant allele was found at a frequency of 8e-06 in 251484 control chromosomes. The available data on variant occurrences in the general population are insufficient to allow any conclusion about variant significance. To our knowledge, no occurrence of c.2111A>G in individuals affected with Intellectual Developmental Disorder With Dysmorphic Facies And Ptosis and no experimental evidence demonstrating its impact on protein function have been reported. ClinVar contains an entry for this variant (Variation ID: 3065361). Based on the evidence outlined above, the variant was classified as uncertain significance.

Genomic Medicine Center of Excellence, King Faisal Specialist Hospital and Research Centre
Classification: Uncertain significance for Intellectual developmental disorder with dysmorphic facies and ptosis. Last evaluated: 2024-03-26. Review status: criteria provided, single submitter. Criteria: ACMG Guidelines, 2015. Collection method: clinical testing. Allele origin: germline.

NM_001003694.2(BRPF1):c.2111A>G (p.Asn704Ser)

Gene: BRPF1 (bromodomain and PHD finger containing 1; plus strand). Cytogenetic location: 3p25.3.
Variant type: single nucleotide variant.
Coding change: c.2111A>G on transcript NM_001003694.2 (MANE Select); coding-DNA position 2111, A replaced by G.
Protein change: p.Asn704Ser; replaces asparagine 704 with serine.
Molecular consequence: missense variant. On other transcripts: non-coding transcript variant (1).
Genome position (GRCh38, 1-based): chr3:9,743,053, A>G. VCF-style: chr3-9743053-A-G. GRCh37 (hg19) VCF-style: chr3-9784737-A-G.
Other names: c.2093A>G, p.Asn698Ser (NM_001319049.2, NM_001319050.2, NM_004634.3); c.2111A>G, p.Asn704Ser (NM_001410704.1); c.2111A>G (NM_001003694.1); short protein forms N698S, N704S.
Identifiers: ClinVar variation 3065361 (VCV003065361.3), dbSNP rs767439975, ClinGen allele CA2242023.